The following is an entry in ClinVar:

ClinVar aggregate classification (germline): Benign/Likely benign. Review status: criteria provided, multiple submitters, no conflicts (2 of 4 stars). 5 submissions from 5 submitters: Benign (2); Likely benign (3). Last evaluated 2026-04-27.

Conditions:
Primary intraosseous venous malformation. Also called: VASCULAR MALFORMATION OSSEOUS; HEMANGIOMA, INTRAOSSEOUS; Vascular malformation, primary intraosseous. Identifiers: Orphanet 140436, MedGen C1847197, MONDO:0011744, OMIM 606893.
ELMO2-related disorder. Also called: ELMO2-related condition.

Allele frequency attached by ClinVar (database versions not stated): 1000 Genomes Project 30x 0.00078; 1000 Genomes Project 0.00100; TOPMed 0.00207; ESP Exome Variant Server 0.00246; gnomAD 0.00264 and 0.00265; gnomAD exomes 0.00286 and 0.00355; ExAC 0.00323.

Submissions (5):

PreventionGenetics, part of Exact Sciences
Classification: Likely benign for ELMO2-related condition. Last evaluated: 2026-04-27. Review status: criteria provided, single submitter. Criteria: ACMG Guidelines, 2015. Collection method: clinical testing. Allele origin: germline.
Comment: This variant is classified as likely benign based on ACMG/AMP sequence variant interpretation guidelines (Richards et al. 2015 PMID: 25741868, with internal and published modifications).

CeGaT Center for Human Genetics Tuebingen
Classification: Likely benign. Last evaluated: 2026-03-01. Review status: criteria provided, single submitter. Criteria: CeGaT Center For Human Genetics Tuebingen Variant Classification Criteria Version 2. Collection method: clinical testing. Allele origin: germline. Affected: yes. Observed: 2 variant alleles.
Comment: ELMO2: BP4, BP7, BS2

Blueprint Genetics
Classification: Likely benign. Last evaluated: 2024-11-25. Review status: criteria provided, single submitter. Criteria: ACMG Guidelines, 2015. Collection method: clinical testing. Allele origin: germline.

ARUP Laboratories, Molecular Genetics and Genomics, ARUP Laboratories
Classification: Benign for Primary intraosseous venous malformation. Last evaluated: 2023-11-01. Review status: criteria provided, single submitter. Criteria: ARUP Molecular Germline Variant Investigation Process 2024. Collection method: clinical testing. Allele origin: germline.

Labcorp Genetics (formerly Invitae), Labcorp
Classification: Benign. Last evaluated: 2019-12-31. Review status: criteria provided, single submitter. Criteria: Invitae Variant Classification Sherloc (09022015). Collection method: clinical testing. Allele origin: germline.

NM_133171.5(ELMO2):c.1134G>A (p.Leu378=)

Gene: ELMO2 (engulfment and cell motility 2; minus strand). Cytogenetic location: 20q13.12.
Variant type: single nucleotide variant.
Coding change: c.1134G>A on transcript NM_133171.5 (MANE Select); coding-DNA position 1134, G replaced by A.
Protein change: p.Leu378=; no amino-acid change (leucine 378 retained).
Molecular consequence: synonymous variant.
Genome position (GRCh38, 1-based): chr20:46,374,572, C>T on the plus strand (G>A on the coding strand, the complement: ELMO2 is on the minus strand). VCF-style: chr20-46374572-C-T. GRCh37 (hg19) VCF-style: chr20-45003211-C-T.
Other names: c.870G>A, p.Leu290= (NM_001318253.2); c.1134G>A, p.Leu378= (NM_182764.3).
Identifiers: ClinVar variation 773369 (VCV000773369.31), dbSNP rs8124302, ClinGen allele CA9890134.